The following is an entry in ClinVar:

ClinVar aggregate classification (germline): Uncertain significance. Review status: criteria provided, multiple submitters, no conflicts (2 of 4 stars). 3 submissions from 3 submitters: Uncertain significance (3). Last evaluated 2024-01-22.

Conditions:
Dilated cardiomyopathy 1G (CMD1G). Identifiers: Orphanet 154, MedGen C1858763, MONDO:0011400, OMIM 604145.
Autosomal recessive limb-girdle muscular dystrophy type 2J (LGMDR10). Also called: MUSCULAR DYSTROPHY, LIMB-GIRDLE, AUTOSOMAL RECESSIVE 10; Limb-girdle muscular dystrophy, type 2J. Identifiers: Orphanet 140922, MedGen C1837342, MONDO:0012127, OMIM 608807.

Allele frequency attached by ClinVar (database versions not stated): gnomAD exomes below 0.00001; TOPMed 0.00001.
gnomAD v4.1: 2 of 1,610,954 alleles (0.00012%); highest among the groups gnomAD compares: Non-Finnish European, 0.00017%; no homozygotes.

Submissions (3):

Revvity Omics, Revvity
Classification: Uncertain significance. Last evaluated: 2024-01-22. Review status: criteria provided, single submitter. Criteria: ACMG Guidelines, 2015. Collection method: clinical testing. Allele origin: germline.

Labcorp Genetics (formerly Invitae), Labcorp
Classification: Uncertain significance for Dilated cardiomyopathy 1G; Autosomal recessive limb-girdle muscular dystrophy type 2J. Last evaluated: 2020-07-15. Review status: criteria provided, single submitter. Criteria: Invitae Variant Classification Sherloc (09022015). Collection method: clinical testing. Allele origin: germline.
Comment: This variant is located in the M band of TTN (PMID: 25589632). Variants in this region may be relevant for neuromuscular disorders, but have not been definitively shown to cause cardiomyopathy (PMID: 23975875). In summary, the available evidence is currently insufficient to determine the role of this variant in disease. Therefore, it has been classified as a Variant of Uncertain Significance. Algorithms developed to predict the effect of missense changes on protein structure and function are unavailable for the TTN gene. This variant has not been reported in the literature in individuals with TTN-related conditions. ClinVar contains an entry for this variant (Variation ID: 203064). This variant is not present in population databases (ExAC no frequency). This sequence change replaces aspartic acid with glycine at codon 33899 of the TTN protein (p.Asp33899Gly). There is a moderate physicochemical difference between aspartic acid and glycine.

GeneDx
Classification: Uncertain significance. Last evaluated: 2015-12-21. Review status: criteria provided, single submitter. Criteria: GeneDx Variant Classification (06012015). Collection method: clinical testing. Allele origin: germline. Affected: yes.
Comment: Missense variants in the TTN gene are considered 'unclassified' if they are not previously reported in the literature and do not have >1% frequency in the population to be considered a polymorphism. Research indicates that truncating mutations in the TTN gene are expected to account for approximately 25% of familial and 18% of sporadic idiopathic DCM; however, truncating variants in the TTN gene have been reported in approximately 3% of reported control alleles. There has been little investigation into non-truncating variants. (Herman D et al. Truncations of titin causing dilated cardiomyopathy. N Eng J Med 366:619-628, 2012) The variant is found in DCM panel(s).

Literature cited by the submitters: PubMed 25589632 (cited by Labcorp Genetics (formerly Invitae), Labcorp); PubMed 23975875 (cited by Labcorp Genetics (formerly Invitae), Labcorp).

NM_001267550.2(TTN):c.101696A>G (p.Asp33899Gly)

Genes: TTN-AS1 (TTN antisense RNA 1; plus strand), TTN (titin; minus strand). Cytogenetic location: 2q31.2.
Variant type: single nucleotide variant.
Coding change: c.101696A>G on transcript NM_001267550.2 (MANE Select); coding-DNA position 101696, A replaced by G.
Protein change: p.Asp33899Gly; replaces aspartic acid 33899 with glycine.
Molecular consequence: missense variant.
Genome position (GRCh38, 1-based): chr2:178,534,919, T>C on the plus strand (A>G on the coding strand, the complement: TTN is on the minus strand). VCF-style: chr2-178534919-T-C. GRCh37 (hg19) VCF-style: chr2-179399646-T-C.
Other names: p.D32258G:GAC>GGC; c.96773A>G, p.Asp32258Gly (NM_001256850.1); c.74501A>G, p.Asp24834Gly (NM_003319.4); c.93992A>G, p.Asp31331Gly (NM_133378.4); c.74876A>G, p.Asp24959Gly (NM_133432.3); c.75077A>G, p.Asp25026Gly (NM_133437.4); short protein forms D32258G, D33899G, D25026G, D31331G, D24959G, D24834G.
Identifiers: ClinVar variation 203064 (VCV000203064.9), dbSNP rs794729560, ClinGen allele CA311130.